The following is an entry in ClinVar:

NM_031935.3(HMCN1):c.3523C>G (p.Arg1175Gly)

Gene: HMCN1 (hemicentin 1; plus strand). Cytogenetic location: 1q31.1.
Variant type: single nucleotide variant.
Coding change: c.3523C>G on transcript NM_031935.3 (MANE Select); coding-DNA position 3523, C replaced by G.
Protein change: p.Arg1175Gly; replaces arginine 1175 with glycine.
Molecular consequence: missense variant.
Genome position (GRCh38, 1-based): chr1:185,994,832, C>G. VCF-style: chr1-185994832-C-G. GRCh37 (hg19) VCF-style: chr1-185963964-C-G.
Other names: short protein forms R1175G.
Identifiers: ClinVar variation 1479991 (VCV001479991.6), dbSNP rs147236265, ClinGen allele CA1291757.

ClinVar aggregate classification (germline): Uncertain significance (1 of 4 stars; one submission).

Allele frequency attached by ClinVar (database versions not stated): ESP Exome Variant Server 0.00046.
gnomAD v4.1: 52 of 1,613,202 alleles (0.0032%); highest among the groups gnomAD compares: African/African-American, 0.059%; no homozygotes.

Submission:

Labcorp Genetics (formerly Invitae), Labcorp
Classification: Uncertain significance. Last evaluated: 2025-10-16. Review status: criteria provided, single submitter. Criteria: Invitae Variant Classification Sherloc (09022015). Collection method: clinical testing. Allele origin: germline.
Comment: This sequence change replaces arginine, which is basic and polar, with glycine, which is neutral and non-polar, at codon 1175 of the HMCN1 protein (p.Arg1175Gly). This variant is present in population databases (rs147236265, gnomAD 0.07%), and has an allele count higher than expected for a pathogenic variant. This variant has not been reported in the literature in individuals affected with HMCN1-related conditions. ClinVar contains an entry for this variant (Variation ID: 1479991). An algorithm developed to predict the effect of missense changes on protein structure and function (PolyPhen-2) suggests that this variant is likely to be disruptive. Algorithms developed to predict the effect of sequence changes on RNA splicing suggest that this variant may disrupt the consensus splice site. In summary, the available evidence is currently insufficient to determine the role of this variant in disease. Therefore, it has been classified as a Variant of Uncertain Significance.